The following is an entry in ClinVar:

NM_020911.2(PLXNA4):c.2335G>A (p.Val779Met)

Gene: PLXNA4 (plexin A4; minus strand). Cytogenetic location: 7q32.3.
Variant type: single nucleotide variant.
Coding change: c.2335G>A on transcript NM_020911.2 (MANE Select); coding-DNA position 2335, G replaced by A.
Protein change: p.Val779Met; replaces valine 779 with methionine.
Molecular consequence: missense variant.
Genome position (GRCh38, 1-based): chr7:132,203,383, C>T on the plus strand (G>A on the coding strand, the complement: PLXNA4 is on the minus strand). VCF-style: chr7-132203383-C-T. GRCh37 (hg19) VCF-style: chr7-131888142-C-T.
Other names: c.2335G>A, p.Val779Met (NM_001393897.1); short protein forms V779M.
Identifiers: ClinVar variation 2636645 (VCV002636645.4), dbSNP rs771286720, ClinGen allele CA4489819.

ClinVar aggregate classification (germline): Uncertain significance. Review status: criteria provided, multiple submitters, no conflicts (2 of 4 stars). 2 submissions from 2 submitters: Uncertain significance (2). Last evaluated 2026-08-19.

Conditions:
PLXNA4-related disorder. Also called: PLXNA4-related condition.

Allele frequency attached by ClinVar (database versions not stated): ExAC 0.00005; gnomAD 0.00001.
gnomAD v4.1: 37 of 1,614,020 alleles (0.0023%); highest among the groups gnomAD compares: Admixed American, 0.0067%; 1 homozygote.

Submissions (2):

PreventionGenetics, part of Exact Sciences
Classification: Uncertain significance for PLXNA4-related condition. Last evaluated: 2026-08-19. Review status: criteria provided, single submitter. Criteria: ACMG Guidelines, 2015. Collection method: clinical testing. Allele origin: germline.
Comment: The PLXNA4 c.2335G>A variant is predicted to result in the amino acid substitution p.Val779Met. To our knowledge, this variant has not been reported in the literature. This variant is reported in 0.014% of alleles in individuals of Latino descent in gnomAD including a homozygous individual. At this time, the clinical significance of this variant is uncertain due to the absence of conclusive functional and genetic evidence.

Ambry Genetics
Classification: Uncertain significance. Last evaluated: 2025-11-19. Review status: criteria provided, single submitter. Criteria: Ambry Variant Classification Scheme 2023. Collection method: clinical testing. Allele origin: germline.